The following is an entry in ClinVar:

GRCh37/hg19 Xp21.1(chrX:31542598-31691102)x0

Gene: DMD (dystrophin; minus strand). Cytogenetic location: Xp21.1.
Variant type: copy number loss.
Change: copy number 0 of chrX:31,542,598-31,691,102 (148.5 kb, GRCh37 coordinates, 1-based), cytogenetic band Xp21.1.
Identifiers: ClinVar variation 2685887 (VCV002685887.1).

ClinVar aggregate classification (germline): Pathogenic (1 of 4 stars; one submission).

Submission:

Quest Diagnostics Nichols Institute San Juan Capistrano
Classification: Pathogenic. Last evaluated: 2022-07-07. Review status: criteria provided, single submitter. Criteria: ACMG/ClinGen CNV Guidelines, 2019. Collection method: clinical testing. Allele origin: unknown.
Comment: This deletion interval involves approximately exons 54-55 of the DMD (dystrophin) gene (OMIM 300377). X-linked recessive dystrophinopathies including Becker Muscular Dystrophy (BMD) (OMIM 300376), Duchenne Muscular Dystrophy (DMD) (OMIM 310200), and DMD-Associated Dilated Cardiomyopathy (OMIM 302045) are caused by entire or intragenic DMD deletions and duplications as well as sequence variants, primarily affecting the isoform expressed in the skeletal muscles (Darras BT et al., GeneReviews [Internet].